The following is an entry in ClinVar:

ClinVar aggregate classification (germline): Likely pathogenic (1 of 4 stars; one submission).

Conditions:
Intellectual developmental disorder, autosomal recessive 68. Also called: MENTAL RETARDATION, AUTOSOMAL RECESSIVE 68. Identifiers: MedGen C4749033, MONDO:0032665, OMIM 618302.

Submission:

Juno Genomics, Hangzhou Juno Genomics, Inc
Classification: Likely pathogenic for Intellectual developmental disorder, autosomal recessive 68. Review status: criteria provided, single submitter. Criteria: ACMG Guidelines, 2015. Collection method: clinical testing. Allele origin: germline.
Comment: Absent from controls (or at extremely low frequency if recessive) in Genome Aggregation Database.;Null variant in a gene where loss of function (LOF) is a known mechanism of disease.

NM_001136035.4(TRMT1):c.1636C>T (p.Arg546Ter)

Gene: TRMT1 (tRNA methyltransferase 1; minus strand). Cytogenetic location: 19p13.13.
Variant type: single nucleotide variant.
Coding change: c.1636C>T on transcript NM_001136035.4 (MANE Select); coding-DNA position 1636, C replaced by T.
Protein change: p.Arg546Ter; replaces arginine 546 with a stop codon.
Molecular consequence: nonsense.
Genome position (GRCh38, 1-based): chr19:13,105,554, G>A on the plus strand (C>T on the coding strand, the complement: TRMT1 is on the minus strand). VCF-style: chr19-13105554-G-A. GRCh37 (hg19) VCF-style: chr19-13216368-G-A.
Other names: c.1549C>T, p.Arg517Ter (NM_001142554.3, NM_001351760.2); c.1528C>T, p.Arg510Ter (NM_001351761.2); c.853C>T, p.Arg285Ter (NM_001351762.2); c.1636C>T, p.Arg546Ter (NM_017722.5); short protein forms R285*, R510*, R517*, R546*.
Identifiers: ClinVar variation 5018797 (VCV005018797.2).
Genomic context (GRCh38, chr19:13,105,554, plus strand): 5'-GGGCACGAGGCCGGGGACCCCAGTTGGCCTCCGGGTTAGCCTGGAAGCGCTTGAGTCCTC[G>A]CTGTCGGGAGCTGGGGTTGGCATCTTCCCGGATGGTGAAGTTGGCCTGCAGCCTAGGGAA-3'